The following is an entry in ClinVar:

NM_001130987.2(DYSF):c.5003+1375C>G

Gene: DYSF (dysferlin; plus strand). Cytogenetic location: 2p13.2.
Variant type: single nucleotide variant.
Coding change: c.5003+1375C>G on transcript NM_001130987.2 (MANE Select); 1375 bases into the intron after coding-DNA position 5003, C replaced by G.
Molecular consequence: intron variant.
Genome position (GRCh38, 1-based): chr2:71,662,026, C>G. VCF-style: chr2-71662026-C-G. GRCh37 (hg19) VCF-style: chr2-71889156-C-G.
Other names: c.4979+1375C>G (NM_001130979.2); c.5000+1375C>G (NM_001130981.2); c.4937+1375C>G (NM_001130980.2); c.4949+1375C>G (NM_001130978.2); c.4886+1375C>G (NM_003494.4); c.4907+1375C>G (NM_001130977.2); c.4844+1375C>G (NM_001130976.2); c.4982+1375C>G (NM_001130982.2); and 5 more.
Identifiers: ClinVar variation 668128 (VCV000668128.1), dbSNP rs3791826, ClinGen allele CA11189238.

ClinVar aggregate classification (germline): Benign (1 of 4 stars; one submission).

Allele frequency attached by ClinVar (database versions not stated): 1000 Genomes Project 0.81889; 1000 Genomes Project 30x 0.81902; TOPMed 0.83690.
gnomAD v4.1: 128,288 of 152,134 alleles (84%); highest among the groups gnomAD compares: Middle Eastern, 90%; 54,219 homozygotes.

Submission:

GeneDx
Classification: Benign. Last evaluated: 2018-06-18. Review status: criteria provided, single submitter. Criteria: GeneDx Variant Classification (06012015). Collection method: clinical testing. Allele origin: germline. Affected: yes.
Comment: This variant is considered likely benign or benign based on one or more of the following criteria: it is a conservative change, it occurs at a poorly conserved position in the protein, it is predicted to be benign by multiple in silico algorithms, and/or has population frequency not consistent with disease.